The following is an entry in ClinVar:

ClinVar aggregate classification (germline): Benign (1 of 4 stars; one submission).

Conditions:
Symmetrical dyschromatosis of extremities (DSH). Also called: DYSCHROMATOSIS SYMMETRICA HEREDITARIA 1; RETICULATE ACROPIGMENTATION OF DOHI; SYMMETRIC DYSCHROMATOSIS OF THE EXTREMITIES; Dyschromatosis symmetrica hereditaria. Identifiers: Orphanet 41, MedGen C0406775, MONDO:0007483, OMIM 127400.

Allele frequency attached by ClinVar (database versions not stated): gnomAD 0.00028 and 0.00054; TOPMed 0.00028; gnomAD exomes 0.00063; 1000 Genomes Project 30x 0.00219; 1000 Genomes Project 0.00220.

Submission:

Illumina Laboratory Services, Illumina
Classification: Benign for Symmetrical dyschromatosis of extremities. Last evaluated: 2018-01-13. Review status: criteria provided, single submitter. Criteria: ICSL Variant Classification Criteria 13 December 2019. Collection method: clinical testing. Allele origin: germline.
Comment: This variant was observed in the ICSL laboratory as part of a predisposition screen in an ostensibly healthy population. It had not been previously curated by ICSL or reported in the Human Gene Mutation Database (HGMD: prior to June 1st, 2018), and was therefore a candidate for classification through an automated scoring system. Utilizing variant allele frequency, disease prevalence and penetrance estimates, and inheritance mode, an automated score was calculated to assess if this variant is too frequent to cause the disease. Based on the score and internal cut-off values, a variant classified as benign is not then subjected to further curation. The score for this variant resulted in a classification of benign for this disease.

NM_001111.5(ADAR):c.-151A>G

Genes: ADAR (adenosine deaminase RNA specific; minus strand), LOC129931513 (ATAC-STARR-seq lymphoblastoid active region 1780; plus strand). Cytogenetic location: 1q21.3.
Variant type: single nucleotide variant.
Coding change: c.-151A>G on transcript NM_001111.5 (MANE Select); 151 bases upstream of the start codon, A replaced by G.
Molecular consequence: 5 prime UTR variant. On other transcripts: intron variant (4).
Genome position (GRCh38, 1-based): chr1:154,608,157, T>C on the plus strand (A>G on the coding strand, the complement: ADAR is on the minus strand). VCF-style: chr1-154608157-T-C. GRCh37 (hg19) VCF-style: chr1-154580633-T-C.
Other names: c.-900A>G (NM_001365047.1, NM_001365049.1); c.-151A>G (NM_015840.4, NM_015841.4); c.-734-5531A>G (NM_001365046.1); c.43-5531A>G (NM_001365045.1); c.-870-5531A>G (NM_001025107.3); c.-871+594A>G (NM_001365048.1).
Identifiers: ClinVar variation 873566 (VCV000873566.4), dbSNP rs557295499, ClinGen allele CA30814504.